The following is an entry in ClinVar:

ClinVar aggregate classification (germline): Uncertain significance (1 of 4 stars; one submission).

Submission:

GeneDx
Classification: Uncertain significance. Last evaluated: 2022-10-03. Review status: criteria provided, single submitter. Criteria: GeneDx Variant Classification Process June 2021. Collection method: clinical testing. Allele origin: germline. Affected: yes.
Comment: Not observed at significant frequency in large population cohorts (gnomAD); In silico analysis supports that this missense variant does not alter protein structure/function; Has not been previously published as pathogenic or benign to our knowledge

NM_152564.5(VPS13B):c.10132A>G (p.Thr3378Ala)

Gene: VPS13B (vacuolar protein sorting 13 homolog B; plus strand). Cytogenetic location: 8q22.2.
Variant type: single nucleotide variant.
Coding change: c.10132A>G on transcript NM_152564.5 (MANE Select); coding-DNA position 10132, A replaced by G.
Protein change: p.Thr3378Ala; replaces threonine 3378 with alanine.
Molecular consequence: missense variant.
Genome position (GRCh38, 1-based): chr8:99,853,521, A>G. VCF-style: chr8-99853521-A-G. GRCh37 (hg19) VCF-style: chr8-100865749-A-G.
Other names: c.10207A>G, p.Thr3403Ala (NM_017890.5); short protein forms T3378A, T3403A.
Identifiers: ClinVar variation 2446501 (VCV002446501.1), dbSNP rs770379709, ClinGen allele CA371780854.